The following is an entry in ClinVar:

ClinVar aggregate classification (germline): Likely benign. Review status: criteria provided, multiple submitters, no conflicts (2 of 4 stars). 4 submissions from 4 submitters: Likely benign (4). Last evaluated 2026-01-09.

Conditions:
Hereditary cancer-predisposing syndrome. Also called: Neoplastic Syndromes, Hereditary; Hereditary Cancer Syndrome; Tumor predisposition; Hereditary neoplastic syndrome. Identifiers: Orphanet 140162, MedGen C0027672, MeSH D009386, MONDO:0015356.
BAP1-related disorder. Also called: BAP1-related condition.
BAP1-related tumor predisposition syndrome (TPDS1). Also called: Tumor susceptibility linked to germline BAP1 mutations; TUMOR PREDISPOSITION SYNDROME 1; BAP1 tumor predisposition syndrome; COMMON Syndrome. Identifiers: Orphanet 289539, MedGen C3280492, MONDO:0013692, OMIM 614327.

Submissions (4):

PreventionGenetics, part of Exact Sciences
Classification: Likely benign for BAP1-related condition. Last evaluated: 2026-01-09. Review status: criteria provided, single submitter. Criteria: ACMG Guidelines, 2015. Collection method: clinical testing. Allele origin: germline.
Comment: This variant is classified as likely benign based on ACMG/AMP sequence variant interpretation guidelines (Richards et al. 2015 PMID: 25741868, with internal and published modifications).

Ambry Genetics
Classification: Likely benign for Hereditary cancer-predisposing syndrome. Last evaluated: 2025-08-30. Review status: criteria provided, single submitter. Criteria: Ambry Variant Classification Scheme 2023. Collection method: clinical testing. Allele origin: germline.

Labcorp Genetics (formerly Invitae), Labcorp
Classification: Likely benign for BAP1-related tumor predisposition syndrome. Last evaluated: 2023-06-21. Review status: criteria provided, single submitter. Criteria: Invitae Variant Classification Sherloc (09022015). Collection method: clinical testing. Allele origin: germline.

Color Diagnostics, LLC DBA Color Health
Classification: Likely benign for Hereditary cancer-predisposing syndrome. Last evaluated: 2019-12-20. Review status: criteria provided, single submitter. Criteria: ACMG Guidelines, 2015. Collection method: clinical testing. Allele origin: germline.

NM_004656.4(BAP1):c.1476T>C (p.Ser492=)

Gene: BAP1 (BRCA1 associated deubiquitinase 1; minus strand). Cytogenetic location: 3p21.1.
Variant type: single nucleotide variant.
Coding change: c.1476T>C on transcript NM_004656.4 (MANE Select); coding-DNA position 1476, T replaced by C.
Protein change: p.Ser492=; no amino-acid change (serine 492 retained).
Molecular consequence: synonymous variant.
Genome position (GRCh38, 1-based): chr3:52,403,669, A>G on the plus strand (T>C on the coding strand, the complement: BAP1 is on the minus strand). VCF-style: chr3-52403669-A-G. GRCh37 (hg19) VCF-style: chr3-52437685-A-G.
Other names: c.1476T>C (NM_004656.2).
Identifiers: ClinVar variation 924558 (VCV000924558.11), dbSNP rs1705049039, ClinGen allele CA433886255.